The following is an entry in ClinVar:

ClinVar aggregate classification (germline): Uncertain significance. Review status: criteria provided, multiple submitters, no conflicts (2 of 4 stars). 2 submissions from 2 submitters: Uncertain significance (2). Last evaluated 2025-05-11.

Conditions:
Hereditary cancer-predisposing syndrome. Also called: Hereditary neoplastic syndrome; Tumor predisposition; Hereditary Cancer Syndrome; Neoplastic Syndromes, Hereditary. Identifiers: Orphanet 140162, MedGen C0027672, MeSH D009386, MONDO:0015356.
Waardenburg syndrome type 2A (WS2A). Also called: WAARDENBURG SYNDROME WITHOUT DYSTOPIA CANTHORUM. Identifiers: Orphanet 3440, MedGen C1860339, MONDO:0008671, OMIM 193510.
Tietz syndrome (TADS). Also called: ALBINISM-DEAFNESS OF TIETZ; HYPOPIGMENTATION/DEAFNESS OF TIETZ; TIETZ ALBINISM-DEAFNESS SYNDROME. Identifiers: Orphanet 42665, MedGen C0391816, MONDO:0007077, OMIM 103500.
Melanoma, cutaneous malignant, susceptibility to, 8. Also called: MELANOMA AND RENAL CELL CARCINOMA, SUSCEPTIBILITY TO; Cutaneous malignant melanoma 8. Identifiers: Orphanet 293822, MedGen C3152204, MONDO:0013759, OMIM 614456.

gnomAD v4.1: 1 of 1,614,132 alleles (0.000062%); highest among the groups gnomAD compares: Admixed American, 0.0017%; no homozygotes.

Submissions (2):

Ambry Genetics
Classification: Uncertain significance for Hereditary cancer-predisposing syndrome. Last evaluated: 2025-05-11. Review status: criteria provided, single submitter. Criteria: Ambry Variant Classification Scheme 2023. Collection method: clinical testing. Allele origin: germline.
Comment: The p.T38I variant (also known as c.113C>T), located in coding exon 2 of the MITF gene, results from a C to T substitution at nucleotide position 113. The threonine at codon 38 is replaced by isoleucine, an amino acid with similar properties. This amino acid position is conserved. In addition, this alteration is predicted to be tolerated by in silico analysis. Based on the available evidence, the clinical significance of this variant remains unclear.

Labcorp Genetics (formerly Invitae), Labcorp
Classification: Uncertain significance for Melanoma, cutaneous malignant, susceptibility to, 8; Waardenburg syndrome type 2A; Tietz syndrome. Last evaluated: 2024-10-12. Review status: criteria provided, single submitter. Criteria: Invitae Variant Classification Sherloc (09022015). Collection method: clinical testing. Allele origin: germline.
Comment: This sequence change replaces threonine, which is neutral and polar, with isoleucine, which is neutral and non-polar, at codon 38 of the MITF protein (p.Thr38Ile). This variant is not present in population databases (gnomAD no frequency). This variant has not been reported in the literature in individuals affected with MITF-related conditions. Invitae Evidence Modeling of protein sequence and biophysical properties (such as structural, functional, and spatial information, amino acid conservation, physicochemical variation, residue mobility, and thermodynamic stability) indicates that this missense variant is expected to disrupt MITF protein function with a positive predictive value of 80%. In summary, the available evidence is currently insufficient to determine the role of this variant in disease. Therefore, it has been classified as a Variant of Uncertain Significance.

NM_001354604.2(MITF):c.434C>T (p.Thr145Ile)

Gene: MITF (melanocyte inducing transcription factor; plus strand). Cytogenetic location: 3p13.
Variant type: single nucleotide variant.
Coding change: c.434C>T on transcript NM_001354604.2 (MANE Select); coding-DNA position 434, C replaced by T.
Protein change: p.Thr145Ile; replaces threonine 145 with isoleucine.
Molecular consequence: missense variant. On other transcripts: intron variant (1).
Genome position (GRCh38, 1-based): chr3:69,937,901, C>T. VCF-style: chr3-69937901-C-T. GRCh37 (hg19) VCF-style: chr3-69987052-C-T.
Other names: c.113C>T, p.Thr38Ile (NM_000248.4, NM_001184968.2, NM_198158.3); c.278C>T, p.Thr93Ile (NM_001184967.2, NM_001354608.2); c.431C>T, p.Thr144Ile (NM_001354605.2, NM_001354606.2, NM_006722.3); c.383C>T, p.Thr128Ile (NM_001354607.2); c.434C>T, p.Thr145Ile (NM_198159.3); c.386C>T, p.Thr129Ile (NM_198177.3); c.93+20C>T (NM_198178.3); short protein forms T128I, T129I, T144I, T145I, T38I, T93I.
Identifiers: ClinVar variation 3754823 (VCV003754823.3).